The following is an entry in ClinVar:

NM_020297.4(ABCC9):c.3246-7T>G

Gene: ABCC9 (ATP binding cassette subfamily C member 9; minus strand). Cytogenetic location: 12p12.1.
Variant type: single nucleotide variant.
Coding change: c.3246-7T>G on transcript NM_020297.4 (MANE Select); 7 bases into the intron before coding-DNA position 3246, T replaced by G.
Molecular consequence: intron variant.
Genome position (GRCh38, 1-based): chr12:21,844,559, A>C on the plus strand (T>G on the coding strand, the complement: ABCC9 is on the minus strand). VCF-style: chr12-21844559-A-C. GRCh37 (hg19) VCF-style: chr12-21997493-A-C.
Other names: c.2379-7T>G (NM_001377274.1); c.3246-7T>G (NM_005691.4, NM_001377273.1).
Identifiers: ClinVar variation 2156737 (VCV002156737.4), dbSNP rs1944538320, ClinGen allele CA945519070.

ClinVar aggregate classification (germline): Uncertain significance (1 of 4 stars; one submission).

Conditions:
Dilated cardiomyopathy 1O (CMD1O). Also called: CARDIOMYOPATHY, DILATED, WITH VENTRICULAR TACHYCARDIA. Identifiers: Orphanet 154, MedGen C1837839, MONDO:0012062, OMIM 608569.

Allele frequency attached by ClinVar (database versions not stated): TOPMed below 0.00001; gnomAD 0.00001.
gnomAD v4.1: 1 of 1,612,838 alleles (0.000062%); highest among the groups gnomAD compares: African/African-American, 0.0013%; no homozygotes.

Submission:

Labcorp Genetics (formerly Invitae), Labcorp
Classification: Uncertain significance for Dilated cardiomyopathy 1O. Last evaluated: 2022-04-05. Review status: criteria provided, single submitter. Criteria: Invitae Variant Classification Sherloc (09022015). Collection method: clinical testing. Allele origin: germline.
Comment: This sequence change falls in intron 25 of the ABCC9 gene. It does not directly change the encoded amino acid sequence of the ABCC9 protein. This variant is not present in population databases (gnomAD no frequency). This variant has not been reported in the literature in individuals affected with ABCC9-related conditions. Algorithms developed to predict the effect of sequence changes on RNA splicing suggest that this variant may disrupt the consensus splice site. In summary, the available evidence is currently insufficient to determine the role of this variant in disease. Therefore, it has been classified as a Variant of Uncertain Significance.